The following is an entry in ClinVar:

NM_020433.5(JPH2):c.1355C>T (p.Pro452Leu)

Gene: JPH2 (junctophilin 2; minus strand). Cytogenetic location: 20q13.12.
Variant type: single nucleotide variant.
Coding change: c.1355C>T on transcript NM_020433.5 (MANE Select); coding-DNA position 1355, C replaced by T.
Protein change: p.Pro452Leu; replaces proline 452 with leucine.
Molecular consequence: missense variant.
Genome position (GRCh38, 1-based): chr20:44,116,320, G>A on the plus strand (C>T on the coding strand, the complement: JPH2 is on the minus strand). VCF-style: chr20-44116320-G-A. GRCh37 (hg19) VCF-style: chr20-42744960-G-A.
Other names: short protein forms P452L.
Identifiers: ClinVar variation 2050698 (VCV002050698.4), dbSNP rs2515718570, ClinGen allele CA409100795.
Genomic context (GRCh38, chr20:44,116,320, plus strand): 5'-AGCTGCGGGCTCTCGCGGGGCGGCTGTGGGAGGCCCGCTGCGCCGGCGCCCCGGTCGGGG[G>A]GCTCCAGCAGGCTCTCCGAGTTCTCCAGGATCTCCTGCAGCAGCCGGCGCTTCTGATATT-3'
Protein context (NP_065166.2, residues 442-462): ILENSESLLE[Pro452Leu]PDRGAGAAGL

ClinVar aggregate classification (germline): Uncertain significance (1 of 4 stars; one submission).

Conditions:
Hypertrophic cardiomyopathy. Also called: HYPERTROPHIC MYOCARDIOPATHY. Identifiers: Orphanet 217569, MedGen C0007194, MeSH D002312, MONDO:0005045, HP:0001639.

Allele frequency attached by ClinVar (database versions not stated): gnomAD exomes below 0.00001.
gnomAD v4.1: 3 of 1,544,312 alleles (0.00019%); highest among the groups gnomAD compares: South Asian, 0.0012%; no homozygotes.

Submission:

Labcorp Genetics (formerly Invitae), Labcorp
Classification: Uncertain significance for Hypertrophic cardiomyopathy. Last evaluated: 2023-12-06. Review status: criteria provided, single submitter. Criteria: Invitae Variant Classification Sherloc (09022015). Collection method: clinical testing. Allele origin: germline.
Comment: This sequence change replaces proline, which is neutral and non-polar, with leucine, which is neutral and non-polar, at codon 452 of the JPH2 protein (p.Pro452Leu). This variant is not present in population databases (gnomAD no frequency). This variant has not been reported in the literature in individuals affected with JPH2-related conditions. ClinVar contains an entry for this variant (Variation ID: 2050698). An algorithm developed to predict the effect of missense changes on protein structure and function (PolyPhen-2) suggests that this variant is likely to be tolerated. In summary, the available evidence is currently insufficient to determine the role of this variant in disease. Therefore, it has been classified as a Variant of Uncertain Significance.